The following is an entry in ClinVar:

NM_000336.3(SCNN1B):c.655T>G (p.Tyr219Asp)

Gene: SCNN1B (sodium channel epithelial 1 subunit beta; plus strand). Cytogenetic location: 16p12.2.
Variant type: single nucleotide variant.
Coding change: c.655T>G on transcript NM_000336.3 (MANE Select); coding-DNA position 655, T replaced by G.
Protein change: p.Tyr219Asp; replaces tyrosine 219 with aspartic acid.
Molecular consequence: missense variant.
Genome position (GRCh38, 1-based): chr16:23,355,368, T>G. VCF-style: chr16-23355368-T-G. GRCh37 (hg19) VCF-style: chr16-23366689-T-G.
Other names: c.655T>G, p.Tyr219Asp (NM_001410900.1); short protein forms Y219D.
Identifiers: ClinVar variation 3767335 (VCV003767335.1).

ClinVar aggregate classification (germline): Likely pathogenic (1 of 4 stars; one submission).

Conditions:
Pseudohypoaldosteronism, type IB2, autosomal recessive (PHA1B2). Identifiers: MedGen C5774255, MONDO:0859317, OMIM 620125.

Submission:

Intergen Genetics and Rare Diseases Diagnosis Center
Classification: Likely pathogenic for Pseudohypoaldosteronism, type IB2, autosomal recessive. Last evaluated: 2025-02-13. Review status: criteria provided, single submitter. Criteria: ACMG Guidelines, 2015. Collection method: clinical testing. Allele origin: germline. Inheritance: Autosomal recessive inheritance. Affected: yes.
Comment: PM2, PP3, PP1, PP4